The following is an entry in ClinVar:

ClinVar aggregate classification (germline): Likely pathogenic (1 of 4 stars; one submission).

Submission:

Labcorp Genetics (formerly Invitae), Labcorp
Classification: Likely pathogenic. Last evaluated: 2025-04-20. Review status: criteria provided, single submitter. Criteria: Invitae Variant Classification Sherloc (09022015). Collection method: clinical testing. Allele origin: germline.
Comment: This variant results in the deletion of part of exon 18 (c.2743_2743+24del) of the ABCA4 gene. It is expected to disrupt RNA splicing. Variants that disrupt the donor or acceptor splice site typically lead to a loss of protein function (PMID: 16199547), and loss-of-function variants in ABCA4 are known to be pathogenic (PMID: 10958761, 24938718, 25312043, 26780318). This variant is not present in population databases (gnomAD no frequency). This variant has been observed in individual(s) with ABCA4-related conditions (internal data). In summary, the currently available evidence indicates that the variant is pathogenic, but additional data are needed to prove that conclusively. Therefore, this variant has been classified as Likely Pathogenic.

Literature cited by the submitters: PubMed 16199547; PubMed 10958761; PubMed 24938718; PubMed 25312043; PubMed 26780318.

NM_000350.3(ABCA4):c.2743_2743+24del

Gene: ABCA4 (ATP binding cassette subfamily A member 4; minus strand). Cytogenetic location: 1p22.1.
Variant type: Deletion.
Coding change: c.2743_2743+24del on transcript NM_000350.3 (MANE Select); coding-DNA position 2743 through 24 bases into the intron after coding-DNA position 2743, 25 bases deleted (GGTAAAACCCCGATAAAGAATACAC).
Molecular consequence: splice donor variant.
Genome position (GRCh38, 1-based): chr1:94,048,844-94,048,868, GTGTATTCTTTATCGGGGTTTTACC deleted on the plus strand (GGTAAAACCCCGATAAAGAATACAC on the coding strand, the reverse complement: ABCA4 is on the minus strand); deleting any 25 consecutive bases within chr1:94,048,844-94,048,876 gives the same sequence; the c. name uses the placement nearest the transcript's 3' end. VCF-style (leftmost placement, unchanged base first): chr1-94048843-TGTGTATTCTTTATCGGGGTTTTACC-T. GRCh37 (hg19) VCF-style: chr1-94514399-TGTGTATTCTTTATCGGGGTTTTACC-T.
Other names: c.2521_2521+24del (NM_001425324.1).
Identifiers: ClinVar variation 4713613 (VCV004713613.1).